The following is an entry in ClinVar:

ClinVar aggregate classification (germline): Uncertain significance (1 of 4 stars; one submission).

Submission:

Ambry Genetics
Classification: Uncertain significance. Last evaluated: 2025-07-19. Review status: criteria provided, single submitter. Criteria: Ambry Variant Classification Scheme 2023. Collection method: clinical testing. Allele origin: germline.
Comment: The p.R405T variant (also known as c.1214G>C), located in coding exon 8 of the ATRIP gene, results from a G to C substitution at nucleotide position 1214. The arginine at codon 405 is replaced by threonine, an amino acid with similar properties. This amino acid position is conserved. In addition, this alteration is predicted to be tolerated by in silico analysis. Based on the available evidence, the clinical significance of this variant remains unclear.

NM_130384.3(ATRIP):c.1214G>C (p.Arg405Thr)

Genes: ATRIP (ATR interacting protein; plus strand), ATRIP-TREX1 (ATRIP-TREX1 readthrough; plus strand). Cytogenetic location: 3p21.31.
Variant type: single nucleotide variant.
Coding change: c.1214G>C on transcript NM_130384.3 (MANE Select); coding-DNA position 1214, G replaced by C.
Protein change: p.Arg405Thr; replaces arginine 405 with threonine.
Molecular consequence: missense variant. On other transcripts: non-coding transcript variant (1).
Genome position (GRCh38, 1-based): chr3:48,460,268, G>C. VCF-style: chr3-48460268-G-C. GRCh37 (hg19) VCF-style: chr3-48501667-G-C.
Other names: c.833G>C, p.Arg278Thr (NM_001271022.2); c.935G>C, p.Arg312Thr (NM_001271023.2); c.1214G>C, p.Arg405Thr (NM_032166.4); short protein forms R312T, R405T, R278T.
Identifiers: ClinVar variation 4182193 (VCV004182193.1).
Genomic context (GRCh38, chr3:48,460,268, plus strand): 5'-GACTGAATCTGGTTGCCCGGAATGAGTGCTCACGTGATGGAGACCCAGCAGAGGGAGGCA[G>C]AAGGGCCTTCCCACTCTGCCAGCTTCCTGGAGCCGTGCATTTCCTCCCCCTTGTACAGTT-3'
Protein context (NP_569055.1, residues 395-415): SRDGDPAEGG[Arg405Thr]RAFPLCQLPG